The following is an entry in ClinVar:

ClinVar aggregate classification (germline): Uncertain significance (1 of 4 stars; one submission).

Conditions:
Familial thoracic aortic aneurysm and aortic dissection (TAAD). Also called: Thoracic aortic aneurysms and dissections. Identifiers: Orphanet 91387, MedGen C4707243, MONDO:0019625.

gnomAD v4.1: 10 of 1,614,146 alleles (0.00062%); highest among the groups gnomAD compares: Non-Finnish European, 0.00085%; no homozygotes.

Submission:

Color Diagnostics, LLC DBA Color Health
Classification: Uncertain significance for Familial thoracic aortic aneurysm and aortic dissection. Last evaluated: 2025-06-10. Review status: criteria provided, single submitter. Criteria: ACMG Guidelines, 2015. Collection method: clinical testing. Allele origin: germline.
Comment: This missense variant replaces threonine with alanine at codon 400 of the MYH11 protein. Computational prediction suggests that this variant may not impact protein structure and function. To our knowledge, functional studies have not been reported for this variant. This variant has not been reported in individuals affected with MYH11-related disorders in the literature. This variant has been identified in 1/251492 chromosomes in the general population by the Genome Aggregation Database (gnomAD). The available evidence is insufficient to determine the role of this variant in disease conclusively. Therefore, this variant is classified as a Variant of Uncertain Significance.

NM_002474.3(MYH11):c.1177A>G (p.Thr393Ala)

Gene: MYH11 (myosin heavy chain 11; minus strand). Cytogenetic location: 16p13.11.
Variant type: single nucleotide variant.
Coding change: c.1177A>G on transcript NM_002474.3 (MANE Select); coding-DNA position 1177, A replaced by G.
Protein change: p.Thr393Ala; replaces threonine 393 with alanine.
Molecular consequence: missense variant.
Genome position (GRCh38, 1-based): chr16:15,760,611, T>C on the plus strand (A>G on the coding strand, the complement: MYH11 is on the minus strand). VCF-style: chr16-15760611-T-C. GRCh37 (hg19) VCF-style: chr16-15854468-T-C.
Other names: c.1198A>G, p.Thr400Ala (NM_001040113.2, NM_001040114.2); c.1177A>G, p.Thr393Ala (NM_022844.3); short protein forms T393A, T400A.
Identifiers: ClinVar variation 4756975 (VCV004756975.1).